The following is an entry in ClinVar:

ClinVar aggregate classification (germline): Uncertain significance (1 of 4 stars; one submission).

Allele frequency attached by ClinVar (database versions not stated): ExAC 0.00001; gnomAD 0.00001; gnomAD exomes 0.00002; TOPMed 0.00002.
gnomAD v4.1: 25 of 1,613,790 alleles (0.0015%); highest among the groups gnomAD compares: Non-Finnish European, 0.002%; no homozygotes.

Submission:

Labcorp Genetics (formerly Invitae), Labcorp
Classification: Uncertain significance. Last evaluated: 2021-04-08. Review status: criteria provided, single submitter. Criteria: Invitae Variant Classification Sherloc (09022015). Collection method: clinical testing. Allele origin: germline.
Comment: This sequence change falls in intron 6 of the SLC25A19 gene. It does not directly change the encoded amino acid sequence of the SLC25A19 protein. It affects a nucleotide within the consensus splice site of the intron. This variant is present in population databases (rs763755139, ExAC 0.002%). This variant has not been reported in the literature in individuals with SLC25A19-related conditions. Nucleotide substitutions within the consensus splice site are a relatively common cause of aberrant splicing (PMID: 17576681, 9536098). Algorithms developed to predict the effect of sequence changes on RNA splicing suggest that this variant may disrupt the consensus splice site, but this prediction has not been confirmed by published transcriptional studies. In summary, the available evidence is currently insufficient to determine the role of this variant in disease. Therefore, it has been classified as a Variant of Uncertain Significance.

Literature cited by the submitters: PubMed 17576681; PubMed 9536098.

NM_001126121.2(SLC25A19):c.644-3C>A

Gene: SLC25A19 (solute carrier family 25 member 19; minus strand). Cytogenetic location: 17q25.1.
Variant type: single nucleotide variant.
Coding change: c.644-3C>A on transcript NM_001126121.2 (MANE Select); 3 bases into the intron before coding-DNA position 644, C replaced by A.
Molecular consequence: intron variant.
Genome position (GRCh38, 1-based): chr17:75,277,486, G>T on the plus strand (C>A on the coding strand, the complement: SLC25A19 is on the minus strand). VCF-style: chr17-75277486-G-T. GRCh37 (hg19) VCF-style: chr17-73273567-G-T.
Other names: c.644-3C>A (NM_001126122.2, NM_021734.5).
Identifiers: ClinVar variation 1394654 (VCV001394654.3), dbSNP rs763755139, ClinGen allele CA8760913.